The following is an entry in ClinVar:

NM_002655.3(PLAG1):c.688C>T (p.Arg230Ter)

Genes: PLAG1 (PLAG1 zinc finger; minus strand), LOC126860395 (BRD4-independent group 4 enhancer GRCh37_chr8:57079228-57080427; plus strand). Cytogenetic location: 8q12.1.
Variant type: single nucleotide variant.
Coding change: c.688C>T on transcript NM_002655.3 (MANE Select); coding-DNA position 688, C replaced by T.
Protein change: p.Arg230Ter; replaces arginine 230 with a stop codon.
Molecular consequence: nonsense.
Genome position (GRCh38, 1-based): chr8:56,167,058, G>A on the plus strand (C>T on the coding strand, the complement: PLAG1 is on the minus strand). VCF-style: chr8-56167058-G-A. GRCh37 (hg19) VCF-style: chr8-57079617-G-A.
Other names: c.688C>T, p.Arg230Ter (NM_001114634.2); c.442C>T, p.Arg148Ter (NM_001114635.2); short protein forms R148*, R230*.
Identifiers: ClinVar variation 4292439 (VCV004292439.1).

ClinVar aggregate classification (germline): Likely pathogenic (1 of 4 stars; one submission).

Conditions:
Silver-russell syndrome 4. Identifiers: MedGen C5394450, MONDO:0030118, OMIM 618907.

Submission:

3billion
Classification: Likely pathogenic for Silver-russell syndrome 4. Last evaluated: 2024-06-06. Review status: criteria provided, single submitter. Criteria: ACMG Guidelines, 2015. Collection method: clinical testing. Allele origin: germline. Affected: yes.
Comment: The variant is not observed in the gnomAD v4.0.0 dataset. Predicted Consequence/Location: Stop-gained (nonsense): predicted to result in a loss or disruption of normal protein function through protein truncation. Multiple pathogenic variants are reported in the predicted truncated region. Therefore, this variant is classified as Likely pathogenic according to the recommendation of ACMG/AMP guideline.